The following is an entry in ClinVar:

NM_145799.4(SEPTIN6):c.899G>A (p.Arg300His)

Gene: SEPTIN6 (septin 6; minus strand). Cytogenetic location: Xq24.
Variant type: single nucleotide variant.
Coding change: c.899G>A on transcript NM_145799.4 (MANE Select); coding-DNA position 899, G replaced by A.
Protein change: p.Arg300His; replaces arginine 300 with histidine.
Molecular consequence: missense variant.
Genome position (GRCh38, 1-based): chrX:119,637,084, C>T on the plus strand (G>A on the coding strand, the complement: SEPTIN6 is on the minus strand). VCF-style: chrX-119637084-C-T. GRCh37 (hg19) VCF-style: chrX-118771047-C-T.
Other names: c.899G>A, p.Arg300His (NM_001410710.1, NM_015129.6, NM_145800.4 and 1 more transcripts); short protein forms R300H.
Identifiers: ClinVar variation 3354328 (VCV003354328.1).

ClinVar aggregate classification (germline): Uncertain significance (0 of 4 stars; one submission).

Conditions:
SEPTIN6-related disorder. Also called: SEPTIN6-related condition.

gnomAD v4.1: 4 of 1,209,313 alleles (0.00033%); highest among the groups gnomAD compares: Non-Finnish European, 0.00045%; no homozygotes.

Submission:

PreventionGenetics, part of Exact Sciences
Classification: Uncertain significance for SEPTIN6-related condition. Last evaluated: 2024-08-22. Review status: no assertion criteria provided. Collection method: clinical testing. Allele origin: germline.
Comment: The SEPTIN6 c.899G>A variant is predicted to result in the amino acid substitution p.Arg300His. To our knowledge, this variant has not been reported in the literature or in a large population database, indicating this variant is rare. At this time, the clinical significance of this variant is uncertain due to the absence of conclusive functional and genetic evidence.